The following is an entry in ClinVar:

NM_032737.4(LMNB2):c.1369G>A (p.Gly457Ser)

Gene: LMNB2 (lamin B2; minus strand). Cytogenetic location: 19p13.3.
Variant type: single nucleotide variant.
Coding change: c.1369G>A on transcript NM_032737.4 (MANE Select); coding-DNA position 1369, G replaced by A.
Protein change: p.Gly457Ser; replaces glycine 457 with serine.
Molecular consequence: missense variant.
Genome position (GRCh38, 1-based): chr19:2,433,939, C>T on the plus strand (G>A on the coding strand, the complement: LMNB2 is on the minus strand). VCF-style: chr19-2433939-C-T. GRCh37 (hg19) VCF-style: chr19-2433937-C-T.
Other names: short protein forms G457S.
Identifiers: ClinVar variation 2953329 (VCV002953329.3), dbSNP rs2512234613, ClinGen allele CA403251783.

ClinVar aggregate classification (germline): Uncertain significance (1 of 4 stars; one submission).

Conditions:
Lipodystrophy, partial, acquired, susceptibility to (APLD). Also called: APLD, SUSCEPTIBILITY TO. Identifiers: MedGen C3887501, MONDO:0100476, OMIM 608709.
Progressive myoclonic epilepsy type 9. Identifiers: Orphanet 457265, MedGen C4225289, MONDO:0014685, OMIM 616540.

Submission:

Labcorp Genetics (formerly Invitae), Labcorp
Classification: Uncertain significance for Progressive myoclonic epilepsy type 9; Lipodystrophy, partial, acquired, susceptibility to. Last evaluated: 2023-10-28. Review status: criteria provided, single submitter. Criteria: Invitae Variant Classification Sherloc (09022015). Collection method: clinical testing. Allele origin: germline.
Comment: This sequence change replaces glycine, which is neutral and non-polar, with serine, which is neutral and polar, at codon 457 of the LMNB2 protein (p.Gly457Ser). This variant is not present in population databases (gnomAD no frequency). This variant has not been reported in the literature in individuals affected with LMNB2-related conditions. Algorithms developed to predict the effect of missense changes on protein structure and function output the following: SIFT: "Not Available"; PolyPhen-2: "Benign"; Align-GVGD: "Not Available". The serine amino acid residue is found in multiple mammalian species, which suggests that this missense change does not adversely affect protein function. In summary, the available evidence is currently insufficient to determine the role of this variant in disease. Therefore, it has been classified as a Variant of Uncertain Significance.